The following is an entry in ClinVar:

ClinVar aggregate classification (germline): Uncertain significance. Review status: criteria provided, multiple submitters, no conflicts (2 of 4 stars). 2 submissions from 2 submitters: Uncertain significance (2). Last evaluated 2023-07-17.

Conditions:
Neuronal ceroid lipofuscinosis. Also called: Neuronal Ceroid Lipofuscinoses. Identifiers: Orphanet 216, Orphanet 79263, MedGen C0027877, MONDO:0016295. Disease mechanism: loss of function.
Neuronal ceroid lipofuscinosis 10 (CLN10). Also called: CTSD-Related Neuronal Ceroid-Lipofuscinosis; NEURONAL CEROID LIPOFUSCINOSIS DUE TO CATHEPSIN D DEFICIENCY. Identifiers: Orphanet 228337, MedGen C1864669, MONDO:0012414, OMIM 610127.

Submissions (2):

Victorian Clinical Genetics Services, Murdoch Childrens Research Institute
Classification: Uncertain significance for Neuronal ceroid lipofuscinosis 10. Last evaluated: 2023-07-17. Review status: criteria provided, single submitter. Criteria: ACMG Guidelines, 2015. Collection method: clinical testing. Allele origin: germline. Inheritance: Autosomal recessive inheritance. Affected: yes.
Comment: Based on the classification scheme VCGS_Germline_v1.3.4, this variant is classified as VUS-3C. Following criteria are met: 0102 - Loss of function is a known mechanism of disease in this gene and is associated with ceroid lipofuscinosis, neuronal, 10 (MIM#610127). (I) 0106 - This gene is associated with autosomal recessive disease. (I) 0200 - Variant is predicted to result in a missense amino acid change from leucine to phenylalanine. (I) 0252 - This variant is homozygous. (I) 0301 - Variant is absent from gnomAD (both v2 and v3). (SP) 0503 - Missense variant consistently predicted to be tolerated by multiple in silico tools or not conserved in placental mammals with a minor amino acid change. (SB) 0604 - Variant is not located in an established domain, motif, hotspot or informative constraint region. (I) 0705 - No comparable missense variants have previous evidence for pathogenicity. (I) 0809 - Previous evidence of pathogenicity for this variant is inconclusive. This variant has been classified as a VUS by a clinical laboratory in ClinVar. (I) 0905 - No published segregation evidence has been identified for this variant. (I) 1007 - No published functional evidence has been identified for this variant. (I) Legend: (SP) - Supporting pathogenic, (I) - Information, (SB) - Supporting benign

Labcorp Genetics (formerly Invitae), Labcorp
Classification: Uncertain significance for Neuronal ceroid lipofuscinosis. Last evaluated: 2022-07-11. Review status: criteria provided, single submitter. Criteria: Invitae Variant Classification Sherloc (09022015). Collection method: clinical testing. Allele origin: germline.
Comment: This variant is not present in population databases (gnomAD no frequency). This sequence change replaces leucine, which is neutral and non-polar, with phenylalanine, which is neutral and non-polar, at codon 6 of the CTSD protein (p.Leu6Phe). This variant has not been reported in the literature in individuals affected with CTSD-related conditions. In summary, the available evidence is currently insufficient to determine the role of this variant in disease. Therefore, it has been classified as a Variant of Uncertain Significance. Algorithms developed to predict the effect of missense changes on protein structure and function output the following: SIFT: "Deleterious"; PolyPhen-2: "Not Available"; Align-GVGD: "Class C0". The phenylalanine amino acid residue is found in multiple mammalian species, which suggests that this missense change does not adversely affect protein function. ClinVar contains an entry for this variant (Variation ID: 1062095).

NM_001909.5(CTSD):c.16C>T (p.Leu6Phe)

Genes: CTSD (cathepsin D; minus strand), LOC130005119 (ATAC-STARR-seq lymphoblastoid silent region 3058; plus strand). Cytogenetic location: 11p15.5.
Variant type: single nucleotide variant.
Coding change: c.16C>T on transcript NM_001909.5 (MANE Select); coding-DNA position 16, C replaced by T.
Protein change: p.Leu6Phe; replaces leucine 6 with phenylalanine.
Molecular consequence: missense variant.
Genome position (GRCh38, 1-based): chr11:1,763,844, G>A on the plus strand (C>T on the coding strand, the complement: CTSD is on the minus strand). VCF-style: chr11-1763844-G-A. GRCh37 (hg19) VCF-style: chr11-1785074-G-A.
Other names: c.16C>T (NM_001909.4); short protein forms L6F.
Identifiers: ClinVar variation 1062095 (VCV001062095.10), dbSNP rs1590909993, ClinGen allele CA379101024.